The following is an entry in ClinVar:

NM_001105206.3(LAMA4):c.1503T>A (p.Asp501Glu)

Gene: LAMA4 (laminin subunit alpha 4; minus strand). Cytogenetic location: 6q21.
Variant type: single nucleotide variant.
Coding change: c.1503T>A on transcript NM_001105206.3 (MANE Select); coding-DNA position 1503, T replaced by A.
Protein change: p.Asp501Glu; replaces aspartic acid 501 with glutamic acid.
Molecular consequence: missense variant.
Genome position (GRCh38, 1-based): chr6:112,172,659, A>T on the plus strand (T>A on the coding strand, the complement: LAMA4 is on the minus strand). VCF-style: chr6-112172659-A-T. GRCh37 (hg19) VCF-style: chr6-112493861-A-T.
Other names: c.1482T>A, p.Asp494Glu (NM_001105207.3, NM_002290.5); short protein forms D494E, D501E.
Identifiers: ClinVar variation 228778 (VCV000228778.17), dbSNP rs370194991, ClinGen allele CA3965765.

ClinVar aggregate classification (germline): Uncertain significance. Review status: criteria provided, multiple submitters, no conflicts (2 of 4 stars). 4 submissions from 4 submitters: Uncertain significance (4). Last evaluated 2026-01-27.

Conditions:
Cardiovascular phenotype. Identifiers: MedGen CN230736.
Dilated cardiomyopathy 1JJ (CMD1JJ). Identifiers: Orphanet 154, MedGen C3808935, MONDO:0014095, OMIM 615235.

Allele frequency attached by ClinVar (database versions not stated): ExAC 0.00003; TOPMed 0.00003; gnomAD 0.00004; gnomAD exomes 0.00005 and 0.00007; ESP Exome Variant Server 0.00008.
gnomAD v4.1: 72 of 1,613,488 alleles (0.0045%); highest among the groups gnomAD compares: Admixed American, 0.012%; no homozygotes.

Submissions (4):

Labcorp Genetics (formerly Invitae), Labcorp
Classification: Uncertain significance for Dilated cardiomyopathy 1JJ. Last evaluated: 2026-01-27. Review status: criteria provided, single submitter. Criteria: Invitae Variant Classification Sherloc (09022015). Collection method: clinical testing. Allele origin: germline.
Comment: This sequence change replaces aspartic acid, which is acidic and polar, with glutamic acid, which is acidic and polar, at codon 494 of the LAMA4 protein (p.Asp494Glu). This variant is present in population databases (rs370194991, gnomAD 0.02%). This variant has not been reported in the literature in individuals affected with LAMA4-related conditions. ClinVar contains an entry for this variant (Variation ID: 228778). Invitae Evidence Modeling of protein sequence and biophysical properties (such as structural, functional, and spatial information, amino acid conservation, physicochemical variation, residue mobility, and thermodynamic stability) indicates that this missense variant is not expected to disrupt LAMA4 protein function with a negative predictive value of 80%. In summary, the available evidence is currently insufficient to determine the role of this variant in disease. Therefore, it has been classified as a Variant of Uncertain Significance.

Ambry Genetics
Classification: Uncertain significance for Cardiovascular phenotype. Last evaluated: 2024-10-04. Review status: criteria provided, single submitter. Criteria: Ambry Variant Classification Scheme 2023. Collection method: clinical testing. Allele origin: germline.

Fulgent Genetics
Classification: Uncertain significance for Dilated cardiomyopathy 1JJ. Last evaluated: 2021-08-20. Review status: criteria provided, single submitter. Criteria: ACMG Guidelines, 2015. Collection method: clinical testing. Allele origin: unknown.

Laboratory for Molecular Medicine, Mass General Brigham Personalized Medicine
Classification: Uncertain significance. Last evaluated: 2015-09-09. Review status: criteria provided, single submitter. Criteria: LMM Criteria. Collection method: clinical testing. Allele origin: germline. Observed: 1 variant allele.
Comment: The p.Asp494Glu variant in LAMA4 has not been previously reported in individuals with cardiomyopathy, but has been identified in 2/11570 Latino chromosomes by t he Exome Aggregation Consortium (ExAC; dbSNP rs3 70194991). Computational prediction tools and conservation analysis suggest that the p.Asp494Glu variant may not impact the protein, though this information is not predictive enough to rule out pathogenicity. In summary, the clinical signi ficance of the p.Asp494Glu variant is uncertain.